The following is an entry in ClinVar:

NM_004667.6(HERC2):c.5465-5A>G

Gene: HERC2 (HECT and RLD domain containing E3 ubiquitin protein ligase 2; minus strand). Cytogenetic location: 15q13.1.
Variant type: single nucleotide variant.
Coding change: c.5465-5A>G on transcript NM_004667.6 (MANE Select); 5 bases into the intron before coding-DNA position 5465, A replaced by G.
Molecular consequence: intron variant.
Genome position (GRCh38, 1-based): chr15:28,222,220, T>C on the plus strand (A>G on the coding strand, the complement: HERC2 is on the minus strand). VCF-style: chr15-28222220-T-C. GRCh37 (hg19) VCF-style: chr15-28467366-T-C.
Identifiers: ClinVar variation 2573530 (VCV002573530.2), dbSNP rs887750418, ClinGen allele CA267902314.

ClinVar aggregate classification (germline): Conflicting classifications of pathogenicity. Review status: criteria provided, conflicting classifications (1 of 4 stars). 2 submissions from 2 submitters: Uncertain significance (1); Likely benign (1). Last evaluated 2025-02-16.

Allele frequency attached by ClinVar (database versions not stated): 1000 Genomes Project 30x 0.00094; gnomAD 0.00166.

Submissions (2):

Laboratory of Genetics, Children's Clinical University Hospital Latvia
Classification: Likely benign. Last evaluated: 2025-02-16. Review status: criteria provided, single submitter. Criteria: ACMG Guidelines, 2015. Collection method: clinical testing. Allele origin: germline. Affected: yes.

Women's Health and Genetics/Laboratory Corporation of America, LabCorp
Classification: Uncertain significance. Last evaluated: 2023-06-01. Review status: criteria provided, single submitter. Criteria: LabCorp Variant Classification Summary - May 2015. Collection method: clinical testing. Allele origin: germline.
Comment: Variant summary: HERC2 c.5465-5A>G alters a non-conserved nucleotide located close to a canonical splice site and therefore could affect mRNA splicing, leading to a significantly altered protein sequence. 4/4 computational tools predict no significant impact on normal splicing. However, these predictions have yet to be confirmed by functional studies. The variant allele was found at a frequency of 0.00023 in 237982 control chromosomes (gnomAD). To our knowledge, no occurrence of c.5465-5A>G in individuals affected with Intellectual Developmental Disorder, Autosomal Recessive 38 and no experimental evidence demonstrating its impact on protein function have been reported. No clinical diagnostic laboratories have submitted clinical-significance assessments for this variant to ClinVar after 2014. Based on the evidence outlined above, the variant was classified as uncertain significance.